The following is an entry in ClinVar:

ClinVar aggregate classification (germline): Uncertain significance (1 of 4 stars; one submission).

Submission:

Mayo Clinic Laboratories, Mayo Clinic
Classification: Uncertain significance. Last evaluated: 2025-04-11. Review status: criteria provided, single submitter. Criteria: ACMG Guidelines, 2015. Collection method: clinical testing. Allele origin: germline. Observed: 1 variant allele.
Comment: PP3, PM1, PM2_supporting, PM5_supporting

Literature cited by the submitters: PubMed 16409464.

NM_000552.5(VWF):c.3700T>C (p.Cys1234Arg)

Gene: VWF (von Willebrand factor; minus strand). Cytogenetic location: 12p13.31.
Variant type: single nucleotide variant.
Coding change: c.3700T>C on transcript NM_000552.5 (MANE Select); coding-DNA position 3700, T replaced by C.
Protein change: p.Cys1234Arg; replaces cysteine 1234 with arginine.
Molecular consequence: missense variant.
Genome position (GRCh38, 1-based): chr12:6,019,718, A>G on the plus strand (T>C on the coding strand, the complement: VWF is on the minus strand). VCF-style: chr12-6019718-A-G. GRCh37 (hg19) VCF-style: chr12-6128884-A-G.
Other names: p.Cys1234Arg; short protein forms C1234R.
Identifiers: ClinVar variation 4541682 (VCV004541682.1).